The following is an entry in ClinVar:

NM_001854.4(COL11A1):c.1883dup (p.Gly628_Asp629insTer)

Gene: COL11A1 (collagen type XI alpha 1 chain; minus strand). Cytogenetic location: 1p21.1.
Variant type: Duplication.
Coding change: c.1883dup on transcript NM_001854.4 (MANE Select); coding-DNA position 1883, one base duplicated (G; older notation c.1883dupG).
Protein change: p.Gly628_Asp629insTer.
Molecular consequence: frameshift variant. On other transcripts: non-coding transcript variant (1).
Genome position (GRCh38, 1-based): chr1:103,004,624, C duplicated on the plus strand (G on the coding strand, the reverse complement: COL11A1 is on the minus strand); the first of 2 consecutive C bases (chr1:103,004,624-103,004,625); duplicating either gives the same sequence. VCF-style (leftmost placement, unchanged base first): chr1-103004623-A-AC. GRCh37 (hg19) VCF-style: chr1-103470179-A-AC.
Other names: c.1766dup, p.Gly589_Asp590insTer (NM_001190709.2); c.1919dup, p.Gly640_Asp641insTer (NM_080629.3); c.1535dup, p.Gly512_Asp513insTer (NM_080630.4).
Identifiers: ClinVar variation 3727890 (VCV003727890.2).
Genomic context (GRCh38, chr1:103,004,623, plus strand): 5'-TGTTTTAATTTTAAATATTTCTTAAGAAAAGAAGTATTAACATACCCTCATTCCATCATC[A>AC]CCAGGAGGACCTGGAGGACCTTGAGGACCTCGTTCACCCTGTTAAATCAATACAAATAAG-3'

ClinVar aggregate classification (germline): Pathogenic (1 of 4 stars; one submission).

Submission:

Labcorp Genetics (formerly Invitae), Labcorp
Classification: Pathogenic. Last evaluated: 2024-12-23. Review status: criteria provided, single submitter. Criteria: Invitae Variant Classification Sherloc (09022015). Collection method: clinical testing. Allele origin: germline.
Comment: This sequence change creates a premature translational stop signal (p.Asp629*) in the COL11A1 gene. It is expected to result in an absent or disrupted protein product. Loss-of-function variants in COL11A1 are known to be pathogenic (PMID: 20513134, 21035103, 23922384, 25240749, 32427345, 32756486). This variant is not present in population databases (gnomAD no frequency). This variant has not been reported in the literature in individuals affected with COL11A1-related conditions. For these reasons, this variant has been classified as Pathogenic.

Literature cited by the submitters: PubMed 20513134; PubMed 21035103; PubMed 23922384; PubMed 25240749; PubMed 32427345; PubMed 32756486.